The following is an entry in ClinVar:

NM_001768.7(CD8A):c.466C>A (p.Pro156Thr)

Gene: CD8A (CD8 subunit alpha; minus strand). Cytogenetic location: 2p11.2.
Variant type: single nucleotide variant.
Coding change: c.466C>A on transcript NM_001768.7 (MANE Select); coding-DNA position 466, C replaced by A.
Protein change: p.Pro156Thr; replaces proline 156 with threonine.
Molecular consequence: missense variant. On other transcripts: non-coding transcript variant (3).
Genome position (GRCh38, 1-based): chr2:86,789,688, G>T on the plus strand (C>A on the coding strand, the complement: CD8A is on the minus strand). VCF-style: chr2-86789688-G-T. GRCh37 (hg19) VCF-style: chr2-87016811-G-T.
Other names: c.466C>A, p.Pro156Thr (NM_001145873.1, NM_001382698.1, NM_171827.4); short protein forms P156T.
Identifiers: ClinVar variation 1474554 (VCV001474554.4), dbSNP rs1252289600, ClinGen allele CA347576459.
Genomic context (GRCh38, chr2:86,789,688, plus strand): 5'-CGCACGCCTCACCTGCGCCCCCCGCCGCTGGCCGGCACGCCTCTGGGCGCAGGGACAGGG[G>T]CTGCGACGCGATGGTGGGCGCCGGTGTTGGTGGTCGCGGCGCTGGCGTCGTGGTGGGCTT-3'
Protein context (NP_001759.3, residues 146-166): PTPAPTIASQ[Pro156Thr]LSLRPEACRP

ClinVar aggregate classification (germline): Uncertain significance (1 of 4 stars; one submission).

Conditions:
Susceptibility to respiratory infections associated with CD8alpha chain mutation (IMD116). Also called: Cd8 deficiency, familial; IMMUNODEFICIENCY 116. Identifiers: Orphanet 169085, MedGen C1837065, MONDO:0012161, OMIM 608957.

Allele frequency attached by ClinVar (database versions not stated): gnomAD 0.00001; TOPMed 0.00001.
gnomAD v4.1: 12 of 1,421,050 alleles (0.00084%); highest among the groups gnomAD compares: East Asian, 0.0029%; no homozygotes.

Submission:

Labcorp Genetics (formerly Invitae), Labcorp
Classification: Uncertain significance for Susceptibility to respiratory infections associated with CD8alpha chain mutation. Last evaluated: 2021-11-01. Review status: criteria provided, single submitter. Criteria: Invitae Variant Classification Sherloc (09022015). Collection method: clinical testing. Allele origin: germline.
Comment: This sequence change replaces proline, which is neutral and non-polar, with threonine, which is neutral and polar, at codon 156 of the CD8A protein (p.Pro156Thr). This variant is not present in population databases (gnomAD no frequency). This variant has not been reported in the literature in individuals affected with CD8A-related conditions. Algorithms developed to predict the effect of missense changes on protein structure and function output the following: SIFT: "Tolerated"; PolyPhen-2: "Benign"; Align-GVGD: "Class C0". The threonine amino acid residue is found in multiple mammalian species, which suggests that this missense change does not adversely affect protein function. In summary, the available evidence is currently insufficient to determine the role of this variant in disease. Therefore, it has been classified as a Variant of Uncertain Significance.